The following is an entry in ClinVar:

ClinVar aggregate classification (germline): Conflicting classifications of pathogenicity. Review status: criteria provided, conflicting classifications (1 of 4 stars). 3 submissions from 3 submitters: Uncertain significance (1); Likely benign (1). 1 of the submissions does not count toward it. Last evaluated 2025-06-11.

Conditions:
USH2A-related disorder. Also called: USH2A-related condition; USH2A-related disorders. Identifiers: MedGen CN239332.
Usher syndrome type 2A. Also called: USHER SYNDROME, TYPE IIA; RETINAL DISEASE IN USHER SYNDROME TYPE IIA, MODIFIER OF. Identifiers: Orphanet 231178, Orphanet 886, MedGen C1848634, MONDO:0010169, OMIM 276901.

gnomAD v4.1: 23 of 1,613,482 alleles (0.0014%); highest among the groups gnomAD compares: Middle Eastern, 0.016%; no homozygotes.

Submissions (3):

PreventionGenetics, part of Exact Sciences
Classification: Likely benign for USH2A-related condition. Last evaluated: 2025-06-11. Review status: criteria provided, single submitter. Criteria: ACMG Guidelines, 2015. Collection method: clinical testing. Allele origin: germline.
Comment: This variant is classified as likely benign based on ACMG/AMP sequence variant interpretation guidelines (Richards et al. 2015 PMID: 25741868, with internal and published modifications).

Laboratory for Molecular Medicine, Mass General Brigham Personalized Medicine
Classification: Uncertain significance. Last evaluated: 2013-08-06. Review status: criteria provided, single submitter. Criteria: LMM Criteria. Collection method: clinical testing. Allele origin: germline. Observed: 1 variant allele.
Comment: The -1C>G variant in USH2A has not been reported in individuals with hearing los s nor previously identified by our laboratory. Data from large population studie s is insufficient to assess the frequency of this variant. This variant is locat ed in the 5'UTR at the -1 nucleotide position and is conserved across species; t hough this information is insufficient to determine pathogenicity. Although we c annot rule out a deleterious impact on the regulation of splicing or translation of USH2A, to date no disease-causing variants have been found in this region of the transcript. In summary, additional information is needed to determine the c linical significance of this variant.

Natera, Inc.
Classification: Uncertain significance for Usher syndrome type 2A. Last evaluated: 2019-11-11. Review status: no assertion criteria provided. Collection method: clinical testing. Allele origin: germline. Not counted in ClinVar's aggregate classification.

NM_206933.4(USH2A):c.-1C>G

Gene: USH2A (usherin; minus strand). Cytogenetic location: 1q41.
Variant type: single nucleotide variant.
Coding change: c.-1C>G on transcript NM_206933.4 (MANE Select); 1 bases upstream of the start codon, C replaced by G.
Molecular consequence: 5 prime UTR variant.
Genome position (GRCh38, 1-based): chr1:216,422,337, G>C on the plus strand (C>G on the coding strand, the complement: USH2A is on the minus strand). VCF-style: chr1-216422337-G-C. GRCh37 (hg19) VCF-style: chr1-216595679-G-C.
Other names: c.-1C>G (NM_007123.6).
Identifiers: ClinVar variation 179092 (VCV000179092.7), dbSNP rs547139318, ClinGen allele CA183707.